The following is an entry in ClinVar:

ClinVar aggregate classification (germline): Benign/Likely benign. Review status: criteria provided, multiple submitters, no conflicts (2 of 4 stars). 3 submissions from 3 submitters: Benign (1); Likely benign (1). 1 of the submissions does not count toward it. Last evaluated 2025-09-03.

Conditions:
ACVR1-related disorder. Also called: ACVR1-related condition.
Progressive myositis ossificans (FOP). Also called: Myositis ossificans progressiva; Progressive ossifying myositis; Fibrodysplasia Ossificans Progressiva. Identifiers: Orphanet 337, MedGen C0016037, MONDO:0007606, OMIM 135100.

Allele frequency attached by ClinVar (database versions not stated): gnomAD 0.00001 and 0.00002; ExAC 0.00002; TOPMed 0.00003; gnomAD exomes 0.00004 and 0.00013.
gnomAD v4.1: 191 of 1,613,786 alleles (0.012%); highest among the groups gnomAD compares: Non-Finnish European, 0.016%; no homozygotes.

Submissions (3):

Labcorp Genetics (formerly Invitae), Labcorp
Classification: Benign. Last evaluated: 2025-09-03. Review status: criteria provided, single submitter. Criteria: Invitae Variant Classification Sherloc (09022015). Collection method: clinical testing. Allele origin: germline.

Illumina Laboratory Services, Illumina
Classification: Likely benign for Progressive myositis ossificans. Last evaluated: 2018-01-12. Review status: criteria provided, single submitter. Criteria: ICSL Variant Classification Criteria 13 December 2019. Collection method: clinical testing. Allele origin: germline.
Comment: This variant was observed in the ICSL laboratory as part of a predisposition screen in an ostensibly healthy population. It had not been previously curated by ICSL or reported in the Human Gene Mutation Database (HGMD: prior to June 1st, 2018), and was therefore a candidate for classification through an automated scoring system. Utilizing variant allele frequency, disease prevalence and penetrance estimates, and inheritance mode, an automated score was calculated to assess if this variant is too frequent to cause the disease. Based on the score and internal cut-off values, a variant classified as likely benign is not then subjected to further curation. The score for this variant resulted in a classification of likely benign for this disease.

PreventionGenetics, part of Exact Sciences
Classification: Likely benign for ACVR1-related condition. Last evaluated: 2019-03-16. Review status: no assertion criteria provided. Collection method: clinical testing. Allele origin: germline. Not counted in ClinVar's aggregate classification.
Comment: This variant is classified as likely benign based on ACMG/AMP sequence variant interpretation guidelines (Richards et al. 2015 PMID: 25741868, with internal and published modifications).

NM_001111067.4(ACVR1):c.644-3T>C

Gene: ACVR1 (activin A receptor type 1; minus strand). Cytogenetic location: 2q24.1.
Variant type: single nucleotide variant.
Coding change: c.644-3T>C on transcript NM_001111067.4 (MANE Select); 3 bases into the intron before coding-DNA position 644, T replaced by C.
Molecular consequence: intron variant.
Genome position (GRCh38, 1-based): chr2:157,770,517, A>G on the plus strand (T>C on the coding strand, the complement: ACVR1 is on the minus strand). VCF-style: chr2-157770517-A-G. GRCh37 (hg19) VCF-style: chr2-158627029-A-G.
Other names: c.644-3T>C (NM_001347665.1, NM_001347664.1, NM_001347666.1 and 3 more transcripts).
Identifiers: ClinVar variation 331693 (VCV000331693.11), dbSNP rs745601993, ClinGen allele CA1919087.